The following is an entry in ClinVar:

NM_001166108.2(PALLD):c.1738A>C (p.Lys580Gln)

Gene: PALLD (palladin, cytoskeletal associated protein; plus strand). Cytogenetic location: 4q32.3.
Variant type: single nucleotide variant.
Coding change: c.1738A>C on transcript NM_001166108.2 (MANE Select); coding-DNA position 1738, A replaced by C.
Protein change: p.Lys580Gln; replaces lysine 580 with glutamine.
Molecular consequence: missense variant.
Genome position (GRCh38, 1-based): chr4:168,711,697, A>C. VCF-style: chr4-168711697-A-C. GRCh37 (hg19) VCF-style: chr4-169632848-A-C.
Other names: c.592A>C, p.Lys198Gln (NM_001166109.2); c.1738A>C, p.Lys580Gln (NM_016081.4); short protein forms K198Q, K580Q.
Identifiers: ClinVar variation 2447329 (VCV002447329.2), dbSNP rs2531855474, ClinGen allele CA358798106.

ClinVar aggregate classification (germline): Uncertain significance (1 of 4 stars; one submission).

Submission:

Ambry Genetics
Classification: Uncertain significance. Last evaluated: 2022-11-11. Review status: criteria provided, single submitter. Criteria: Ambry Variant Classification Scheme 2023. Collection method: clinical testing. Allele origin: germline.
Comment: The p.K580Q variant (also known as c.1738A>C), located in coding exon 9 of the PALLD gene, results from an A to C substitution at nucleotide position 1738. The lysine at codon 580 is replaced by glutamine, an amino acid with similar properties. This amino acid position is conserved. In addition, this alteration is predicted to be tolerated by in silico analysis. Since supporting evidence is limited at this time, the clinical significance of this alteration remains unclear.